The following is an entry in ClinVar:

NM_000539.3(RHO):c.781T>C (p.Phe261Leu)

Gene: RHO (rhodopsin; plus strand). Cytogenetic location: 3q22.1.
Variant type: single nucleotide variant.
Coding change: c.781T>C on transcript NM_000539.3 (MANE Select); coding-DNA position 781, T replaced by C.
Protein change: p.Phe261Leu; replaces phenylalanine 261 with leucine.
Molecular consequence: missense variant.
Genome position (GRCh38, 1-based): chr3:129,532,617, T>C. VCF-style: chr3-129532617-T-C. GRCh37 (hg19) VCF-style: chr3-129251460-T-C.
Other names: short protein forms F261L.
Identifiers: ClinVar variation 1516053 (VCV001516053.6), dbSNP rs2108750476, ClinGen allele CA354470350.

ClinVar aggregate classification (germline): Uncertain significance (1 of 4 stars; one submission).

Submission:

Labcorp Genetics (formerly Invitae), Labcorp
Classification: Uncertain significance. Last evaluated: 2023-12-06. Review status: criteria provided, single submitter. Criteria: Invitae Variant Classification Sherloc (09022015). Collection method: clinical testing. Allele origin: germline.
Comment: This sequence change replaces phenylalanine, which is neutral and non-polar, with leucine, which is neutral and non-polar, at codon 261 of the RHO protein (p.Phe261Leu). This variant is not present in population databases (gnomAD no frequency). This variant has not been reported in the literature in individuals affected with RHO-related conditions. ClinVar contains an entry for this variant (Variation ID: 1516053). Advanced modeling of protein sequence and biophysical properties (such as structural, functional, and spatial information, amino acid conservation, physicochemical variation, residue mobility, and thermodynamic stability) performed at Invitae indicates that this missense variant is expected to disrupt RHO protein function with a positive predictive value of 80%. In summary, the available evidence is currently insufficient to determine the role of this variant in disease. Therefore, it has been classified as a Variant of Uncertain Significance.